The following is an entry in ClinVar:

NM_015221.4(DNMBP):c.3156+7A>G

Gene: DNMBP (dynamin binding protein; minus strand). Cytogenetic location: 10q24.2.
Variant type: single nucleotide variant.
Coding change: c.3156+7A>G on transcript NM_015221.4 (MANE Select); 7 bases into the intron after coding-DNA position 3156, A replaced by G.
Molecular consequence: intron variant.
Genome position (GRCh38, 1-based): chr10:99,894,939, T>C on the plus strand (A>G on the coding strand, the complement: DNMBP is on the minus strand). VCF-style: chr10-99894939-T-C. GRCh37 (hg19) VCF-style: chr10-101654696-T-C.
Other names: c.3156+7A>G (NM_001441288.1, NM_001441287.1, NM_015221.3); c.2052+7A>G (NM_001318326.2); c.378+7A>G (NM_001441292.1); c.894+7A>G (NM_001441290.1, NM_001318327.2); c.-138+7A>G (NM_001441293.1); c.666+7A>G (NM_001441291.1).
Identifiers: ClinVar variation 1255522 (VCV001255522.6), dbSNP rs3758394, ClinGen allele CA5644638.

ClinVar aggregate classification (germline): Benign. Review status: criteria provided, multiple submitters, no conflicts (2 of 4 stars). 3 submissions from 3 submitters: Benign (2). 1 of the submissions does not count toward it. Last evaluated 2021-07-30.

Conditions:
Cataract 48. Identifiers: MedGen C5193082, MONDO:0032735, OMIM 618415.
DNMBP-related disorder. Also called: DNMBP-related condition.

Allele frequency attached by ClinVar (database versions not stated): 1000 Genomes Project 0.45607; 1000 Genomes Project 30x 0.46018; gnomAD exomes 0.51302 and 0.54984; gnomAD 0.51694 and 0.52059; ExAC 0.51870; TOPMed 0.52065; ESP Exome Variant Server 0.54260.
gnomAD v4.1: 872,153 of 1,596,558 alleles (55%); highest among the groups gnomAD compares: Non-Finnish European, 57%; 241,538 homozygotes.

Submissions (3):

Genome-Nilou Lab
Classification: Benign for Cataract 48. Last evaluated: 2021-07-30. Review status: criteria provided, single submitter. Criteria: ACMG Guidelines, 2015. Collection method: clinical testing. Allele origin: germline. Affected: no.

Breakthrough Genomics
Classification: Benign. Review status: criteria provided, single submitter. Criteria: ACMG Guidelines, 2015. Collection method: not provided. Allele origin: germline. Inheritance: Autosomal recessive inheritance. Affected: yes.

PreventionGenetics, part of Exact Sciences
Classification: Benign for DNMBP-related condition. Last evaluated: 2019-10-21. Review status: no assertion criteria provided. Collection method: clinical testing. Allele origin: germline. Not counted in ClinVar's aggregate classification.
Comment: This variant is classified as benign based on ACMG/AMP sequence variant interpretation guidelines (Richards et al. 2015 PMID: 25741868, with internal and published modifications).